The following is an entry in ClinVar:

ClinVar aggregate classification (germline): Benign (1 of 4 stars; one submission).

Allele frequency attached by ClinVar (database versions not stated): 1000 Genomes Project 30x 0.19379; 1000 Genomes Project 0.19868; TOPMed 0.20810; gnomAD 0.21447 and 0.21735.
gnomAD v4.1: 33,103 of 152,006 alleles (22%); highest among the groups gnomAD compares: East Asian, 28%; 3,997 homozygotes.

Submission:

GeneDx
Classification: Benign. Last evaluated: 2018-06-14. Review status: criteria provided, single submitter. Criteria: GeneDx Variant Classification (06012015). Collection method: clinical testing. Allele origin: germline. Affected: yes.
Comment: This variant is considered likely benign or benign based on one or more of the following criteria: it is a conservative change, it occurs at a poorly conserved position in the protein, it is predicted to be benign by multiple in silico algorithms, and/or has population frequency not consistent with disease.

NM_018109.4(MTPAP):c.993-228A>C

Gene: MTPAP (mitochondrial poly(A) polymerase; minus strand). Cytogenetic location: 10p11.23.
Variant type: single nucleotide variant.
Coding change: c.993-228A>C on transcript NM_018109.4 (MANE Select); 228 bases into the intron before coding-DNA position 993, A replaced by C.
Molecular consequence: intron variant.
Genome position (GRCh38, 1-based): chr10:30,322,845, T>G on the plus strand (A>C on the coding strand, the complement: MTPAP is on the minus strand). VCF-style: chr10-30322845-T-G. GRCh37 (hg19) VCF-style: chr10-30611774-T-G.
Identifiers: ClinVar variation 684083 (VCV000684083.1), dbSNP rs2480295, ClinGen allele CA13262903.